The following is an entry in ClinVar:

ClinVar aggregate classification (germline): Pathogenic (1 of 4 stars; one submission).

Conditions:
Familial hypokalemia-hypomagnesemia (GTLMNS). Also called: gitelman syndrome; HYPOMAGNESEMIA-HYPOKALEMIA, PRIMARY RENOTUBULAR, WITH HYPOCALCIURIA; POTASSIUM AND MAGNESIUM DEPLETION. Identifiers: Orphanet 358, MedGen C0268450, MONDO:0009904, OMIM 263800.

Allele frequency attached by ClinVar (database versions not stated): gnomAD exomes below 0.00001 and 0.00001; ExAC 0.00001.

Submission:

Dubai Health Genomic Medicine Center, Dubai Health
Classification: Pathogenic for Familial hypokalemia-hypomagnesemia. Last evaluated: 2020-04-28. Review status: criteria provided, single submitter. Criteria: ACMG Guidelines, 2015. Collection method: clinical testing. Allele origin: germline. Affected: yes.
Comment: The Arg943fs variant in SLC12A3 has not been previously identified in individuals with Gitelman syndrome but was identified in 1/30616 South Asian alleles in the Genome Aggregation Database (gnomAD). This frameshift variant is predicted to alter the protein's amino acid sequence beginning at position 943 and lead to a premature termination codon 23 amino acids downstream. This alteration is then predicted to lead to a truncated or absent protein. This variant affects exon 24 (out of 26) where other loss of function variants have been reported in affected individuals. In summary this variant meets our criteria for pathogenicity.

NM_001126108.2(SLC12A3):c.2800_2803del (p.Arg934fs)

Gene: SLC12A3 (solute carrier family 12 member 3; plus strand). Cytogenetic location: 16q13.
Variant type: Deletion.
Coding change: c.2800_2803del on transcript NM_001126108.2 (MANE Select); coding-DNA positions 2800 to 2803, 4 bases deleted (CGGC; older notation c.2800_2803delCGGC).
Protein change: p.Arg934fs; shifts the reading frame from arginine 934.
Molecular consequence: frameshift variant.
Genome position (GRCh38, 1-based): chr16:56,902,452-56,902,455, CGGC deleted. VCF-style (leftmost placement, unchanged base first): chr16-56902451-GCGGC-G. GRCh37 (hg19) VCF-style: chr16-56936363-GCGGC-G.
Other names: c.2827_2830del, p.Arg943fs (NM_000339.3); c.2824_2827del, p.Arg942fs (NM_001126107.2); short protein forms R934fs, R942fs, R943fs.
Identifiers: ClinVar variation 1301841 (VCV001301841.2), dbSNP rs758020565, ClinGen allele CA8070061.